The following is an entry in ClinVar:

NM_001267550.2(TTN):c.16367C>A (p.Pro5456His)

Gene: TTN (titin; minus strand). Cytogenetic location: 2q31.2.
Variant type: single nucleotide variant.
Coding change: c.16367C>A on transcript NM_001267550.2 (MANE Select); coding-DNA position 16367, C replaced by A.
Protein change: p.Pro5456His; replaces proline 5456 with histidine.
Molecular consequence: missense variant. On other transcripts: intron variant (3).
Genome position (GRCh38, 1-based): chr2:178,732,694, G>T on the plus strand (C>A on the coding strand, the complement: TTN is on the minus strand). VCF-style: chr2-178732694-G-T. GRCh37 (hg19) VCF-style: chr2-179597421-G-T.
Other names: c.12635C>A, p.Pro4212His (NM_133378.4); c.15416C>A, p.Pro5139His (NM_001256850.1); c.13282+5388C>A (NM_003319.4); c.13858+5388C>A (NM_133437.4); c.13657+5388C>A (NM_133432.3); short protein forms P4212H, P5456H, P5139H.
Identifiers: ClinVar variation 229387 (VCV000229387.8), dbSNP rs876658041, ClinGen allele CA10576557.

ClinVar aggregate classification (germline): Uncertain significance. Review status: criteria provided, multiple submitters, no conflicts (2 of 4 stars). 2 submissions from 2 submitters: Uncertain significance (2). Last evaluated 2020-06-23.

Allele frequency attached by ClinVar (database versions not stated): TOPMed below 0.00001.

Submissions (2):

Revvity Omics, Revvity
Classification: Uncertain significance. Last evaluated: 2020-06-23. Review status: criteria provided, single submitter. Criteria: ACMG Guidelines, 2015. Collection method: clinical testing. Allele origin: germline.

Laboratory for Molecular Medicine, Mass General Brigham Personalized Medicine
Classification: Uncertain significance. Last evaluated: 2015-05-18. Review status: criteria provided, single submitter. Criteria: LMM Criteria. Collection method: clinical testing. Allele origin: germline. Observed: 1 variant allele.
Comment: The p.Pro4212His variant in TTN has not been previously reported in individuals with cardiomyopathy or in large population studies. Computational prediction too ls and conservation analysis suggest that this variant may impact the protein, t hough this information is not predictive enough to determine pathogenicity. In s ummary, the clinical significance of the p.Pro4212His variant is uncertain.